The following is an entry in ClinVar:

NM_144687.4(NLRP12):c.2500C>A (p.Leu834Met)

Gene: NLRP12 (NLR family pyrin domain containing 12; minus strand). Cytogenetic location: 19q13.42.
Variant type: single nucleotide variant.
Coding change: c.2500C>A on transcript NM_144687.4 (MANE Select); coding-DNA position 2500, C replaced by A.
Protein change: p.Leu834Met; replaces leucine 834 with methionine.
Molecular consequence: missense variant.
Genome position (GRCh38, 1-based): chr19:53,804,037, G>T on the plus strand (C>A on the coding strand, the complement: NLRP12 is on the minus strand). VCF-style: chr19-53804037-G-T. GRCh37 (hg19) VCF-style: chr19-54307291-G-T.
Other names: c.2503C>A, p.Leu835Met (NM_001277126.2); c.2500C>A, p.Leu834Met (NM_001277129.1); short protein forms L834M, L835M.
Identifiers: ClinVar variation 1017146 (VCV001017146.9), dbSNP rs1212091388, ClinGen allele CA407409480.

ClinVar aggregate classification (germline): Uncertain significance. Review status: criteria provided, multiple submitters, no conflicts (2 of 4 stars). 2 submissions from 2 submitters: Uncertain significance (2). Last evaluated 2025-10-26.

Conditions:
Familial cold autoinflammatory syndrome 2 (FCAS2). Identifiers: Orphanet 247868, MedGen C2673198, MONDO:0012724, OMIM 611762.

Allele frequency attached by ClinVar (database versions not stated): TOPMed 0.00001.
gnomAD v4.1: 1 of 1,613,946 alleles (0.000062%); highest among the groups gnomAD compares: Admixed American, 0.0017%; no homozygotes.

Submissions (2):

Labcorp Genetics (formerly Invitae), Labcorp
Classification: Uncertain significance for Familial cold autoinflammatory syndrome 2. Last evaluated: 2025-10-26. Review status: criteria provided, single submitter. Criteria: Invitae Variant Classification Sherloc (09022015). Collection method: clinical testing. Allele origin: germline.
Comment: This sequence change replaces leucine, which is neutral and non-polar, with methionine, which is neutral and non-polar, at codon 834 of the NLRP12 protein (p.Leu834Met). This variant is not present in population databases (gnomAD no frequency). This variant has not been reported in the literature in individuals affected with NLRP12-related conditions. ClinVar contains an entry for this variant (Variation ID: 1017146). Invitae Evidence Modeling of protein sequence and biophysical properties (such as structural, functional, and spatial information, amino acid conservation, physicochemical variation, residue mobility, and thermodynamic stability) indicates that this missense variant is expected to disrupt NLRP12 protein function with a positive predictive value of 80%. In summary, the available evidence is currently insufficient to determine the role of this variant in disease. Therefore, it has been classified as a Variant of Uncertain Significance.

Blueprint Genetics
Classification: Uncertain significance. Last evaluated: 2024-03-20. Review status: criteria provided, single submitter. Criteria: ACMG Guidelines, 2015. Collection method: clinical testing. Allele origin: germline.